The following is an entry in ClinVar:

ClinVar aggregate classification (germline): Likely benign (0 of 4 stars; one submission).

Conditions:
MED13-related disorder. Also called: MED13-related condition.

Allele frequency attached by ClinVar (database versions not stated): TOPMed below 0.00001; gnomAD exomes 0.00002; gnomAD 0.00003; ExAC 0.00006.
gnomAD v4.1: 43 of 1,613,740 alleles (0.0027%); highest among the groups gnomAD compares: South Asian, 0.04%; 1 homozygote.

Submission:

PreventionGenetics, part of Exact Sciences
Classification: Likely benign for MED13-related condition. Last evaluated: 2019-05-24. Review status: no assertion criteria provided. Collection method: clinical testing. Allele origin: germline.
Comment: This variant is classified as likely benign based on ACMG/AMP sequence variant interpretation guidelines (Richards et al. 2015 PMID: 25741868, with internal and published modifications).

NM_005121.3(MED13):c.1269T>C (p.Asn423=)

Gene: MED13 (mediator complex subunit 13; minus strand). Cytogenetic location: 17q23.2.
Variant type: single nucleotide variant.
Coding change: c.1269T>C on transcript NM_005121.3 (MANE Select); coding-DNA position 1269, T replaced by C.
Protein change: p.Asn423=; no amino-acid change (asparagine 423 retained).
Molecular consequence: synonymous variant.
Genome position (GRCh38, 1-based): chr17:62,029,555, A>G on the plus strand (T>C on the coding strand, the complement: MED13 is on the minus strand). VCF-style: chr17-62029555-A-G. GRCh37 (hg19) VCF-style: chr17-60106916-A-G.
Identifiers: ClinVar variation 3038488 (VCV003038488.2), dbSNP rs539045422, ClinGen allele CA8693105.